The following is an entry in ClinVar:

NM_005585.5(SMAD6):c.622G>C (p.Val208Leu)

Gene: SMAD6 (SMAD family member 6; plus strand). Cytogenetic location: 15q22.31.
Variant type: single nucleotide variant.
Coding change: c.622G>C on transcript NM_005585.5 (MANE Select); coding-DNA position 622, G replaced by C.
Protein change: p.Val208Leu; replaces valine 208 with leucine.
Molecular consequence: missense variant. On other transcripts: non-coding transcript variant (1).
Genome position (GRCh38, 1-based): chr15:66,703,880, G>C. VCF-style: chr15-66703880-G-C. GRCh37 (hg19) VCF-style: chr15-66996218-G-C.
Other names: short protein forms V208L.
Identifiers: ClinVar variation 4864715 (VCV004864715.1).

ClinVar aggregate classification (germline): Uncertain significance (1 of 4 stars; one submission).

Conditions:
Inborn genetic diseases. Identifiers: MedGen C0950123, MeSH D030342.

Submission:

Ambry Genetics
Classification: Uncertain significance for Inborn genetic diseases. Last evaluated: 2026-04-02. Review status: criteria provided, single submitter. Criteria: Ambry Variant Classification Scheme 2023. Collection method: clinical testing. Allele origin: germline.
Comment: The p.V208L variant (also known as c.622G>C), located in coding exon 1 of the SMAD6 gene, results from a G to C substitution at nucleotide position 622. The valine at codon 208 is replaced by leucine, an amino acid with highly similar properties. This amino acid position is conserved. In addition, this alteration is predicted to be tolerated by in silico analysis. Based on the available evidence, the clinical significance of this variant remains unclear.